The following is an entry in ClinVar:

ClinVar aggregate classification (germline): Likely benign (0 of 4 stars; one submission).

Conditions:
PREX1-related disorder. Also called: PREX1-related condition.

Allele frequency attached by ClinVar (database versions not stated): 1000 Genomes Project 0.00100; 1000 Genomes Project 30x 0.00125; ESP Exome Variant Server 0.00200; gnomAD 0.00257; TOPMed 0.00269; ExAC 0.00275; gnomAD exomes 0.00370.
gnomAD v4.1: 5,749 of 1,614,124 alleles (0.36%); highest among the groups gnomAD compares: Non-Finnish European, 0.43%; 19 homozygotes.

Submission:

PreventionGenetics, part of Exact Sciences
Classification: Likely benign for PREX1-related condition. Last evaluated: 2022-02-16. Review status: no assertion criteria provided. Collection method: clinical testing. Allele origin: germline.
Comment: This variant is classified as likely benign based on ACMG/AMP sequence variant interpretation guidelines (Richards et al. 2015 PMID: 25741868, with internal and published modifications).

NM_020820.4(PREX1):c.3836A>G (p.Gln1279Arg)

Gene: PREX1 (phosphatidylinositol-3,4,5-trisphosphate dependent Rac exchange factor 1; minus strand). Cytogenetic location: 20q13.13.
Variant type: single nucleotide variant.
Coding change: c.3836A>G on transcript NM_020820.4 (MANE Select); coding-DNA position 3836, A replaced by G.
Protein change: p.Gln1279Arg; replaces glutamine 1279 with arginine.
Molecular consequence: missense variant.
Genome position (GRCh38, 1-based): chr20:48,639,834, T>C on the plus strand (A>G on the coding strand, the complement: PREX1 is on the minus strand). VCF-style: chr20-48639834-T-C. GRCh37 (hg19) VCF-style: chr20-47256372-T-C.
Other names: short protein forms Q1279R.
Identifiers: ClinVar variation 3034218 (VCV003034218.2), dbSNP rs143830265, ClinGen allele CA9896800.